The following is an entry in ClinVar:

NM_000059.4(BRCA2):c.613_614del (p.Ser205fs)

Gene: BRCA2 (BRCA2 DNA repair associated; plus strand). Cytogenetic location: 13q13.1.
Variant type: Deletion.
Coding change: c.613_614del on transcript NM_000059.4 (MANE Select); coding-DNA positions 613 to 614, 2 bases deleted (AG; older notation c.613_614delAG).
Protein change: p.Ser205fs; shifts the reading frame from serine 205.
Molecular consequence: frameshift variant.
Genome position (GRCh38, 1-based): chr13:32,326,595-32,326,596, AG deleted. VCF-style (leftmost placement, unchanged base first): chr13-32326594-TAG-T. GRCh37 (hg19) VCF-style: chr13-32900731-TAG-T.
Other names: c.613_614delAG (NM_000059.3); c.613_614del (NM_000059.3); short protein forms S205fs.
Identifiers: ClinVar variation 915267 (VCV000915267.8), dbSNP rs1566219362, ClinGen allele CA919242703.

ClinVar aggregate classification (germline): Pathogenic. Review status: criteria provided, multiple submitters, no conflicts (2 of 4 stars). 4 submissions from 4 submitters: Pathogenic (4). Last evaluated 2025-11-24.

Conditions:
Hereditary cancer-predisposing syndrome. Also called: Neoplastic Syndromes, Hereditary; Tumor predisposition; Hereditary neoplastic syndrome; Hereditary Cancer Syndrome. Identifiers: Orphanet 140162, MedGen C0027672, MeSH D009386, MONDO:0015356.
Breast neoplasm. Also called: Neoplasm of breast; Breast tumor; Breast Neoplasms; Neoplasm of the breast. Identifiers: MedGen C1458155, MeSH D001943, MONDO:0021100, HP:0100013. Disease mechanism: gain of function.
Familial cancer of breast. Also called: hereditary breast carcinoma; BREAST CANCER, FAMILIAL; Hereditary breast cancer. Identifiers: Orphanet 227535, MedGen C0346153, MONDO:0016419, OMIM 114480. Disease mechanism: loss of function.
Medulloblastoma (MDB). Also called: MEDULLOBLASTOMA PREDISPOSITION SYNDROME; Medulloblastoma, somatic. Identifiers: Orphanet 616, MedGen C0025149, MeSH D008527, MONDO:0007959, OMIM 155255, HP:0002885.
Wilms tumor 1 (WT1). Also called: Wilms tumor, somatic. Identifiers: Orphanet 654, MedGen CN033288, MONDO:0008679, OMIM 194070.
Breast-ovarian cancer, familial, susceptibility to, 2 (BROVCA2). Also called: BRCA2 Hereditary Breast and Ovarian Cancer. Identifiers: Orphanet 145, MedGen C2675520, MONDO:0012933, OMIM 612555. Disease mechanism: loss of function.
Pancreatic cancer, susceptibility to, 2. Identifiers: Orphanet 1333, MedGen C3150546, MONDO:0013235, OMIM 613347.
Fanconi anemia complementation group D1. Also called: BRCA2-Related Fanconi Anemia. Identifiers: Orphanet 319462, MedGen C1838457, MONDO:0011584, OMIM 605724.
Glioma susceptibility 3 (GLM3). Also called: Glioblastoma 3. Identifiers: Orphanet 182067, Orphanet 360, MedGen C2751641, MONDO:0013093, OMIM 613029.
Familial prostate cancer. Also called: Hereditary Prostate Cancer. Identifiers: MedGen C2931456, MONDO:0700275, OMIM 176807.

Submissions (4):

Ambry Genetics
Classification: Pathogenic for Hereditary cancer-predisposing syndrome. Last evaluated: 2025-11-24. Review status: criteria provided, single submitter. Criteria: Ambry Variant Classification Scheme 2023. Collection method: clinical testing. Allele origin: germline.
Comment: The c.613_614delAG pathogenic mutation, located in coding exon 6 of the BRCA2 gene, results from a deletion of two nucleotides at nucleotide positions 613 to 614, causing a translational frameshift with a predicted alternate stop codon (p.S205Ffs*9). This variant is considered to be rare based on population cohorts in the Genome Aggregation Database (gnomAD). This alteration is expected to result in loss of function by premature protein truncation or nonsense-mediated mRNA decay. As such, this alteration is interpreted as a disease-causing mutation.

Fulgent Genetics
Classification: Pathogenic for Familial cancer of breast; Medulloblastoma; Familial prostate cancer; Wilms tumor 1; Fanconi anemia complementation group D1; Breast-ovarian cancer, familial, susceptibility to, 2; Glioma susceptibility 3; Pancreatic cancer, susceptibility to, 2. Last evaluated: 2024-03-19. Review status: criteria provided, single submitter. Criteria: ACMG Guidelines, 2015. Collection method: clinical testing. Allele origin: germline.

ACT Genomics,
Classification: Pathogenic for Neoplasm of the breast. Last evaluated: 2020-04-27. Review status: criteria provided, single submitter. Criteria: ACMG Guidelines, 2015. Collection method: clinical testing. Allele origin: germline. Affected: yes. Observed: 1 heterozygote.
Comment: This frameshift deletion c.613_614delAG (Ser205PhefsTer9) in BRCA2 is predicted to result in the formation of a premature stop codon. This mutatiom is novel (not in any individuals) in gnomAD Exomes and 1000 Genomes. For these reasons, this variant has been classified as Pathogenic.

Juno Genomics, Hangzhou Juno Genomics, Inc
Classification: Pathogenic for Wilms tumor 1; Familial cancer of breast; Breast-ovarian cancer, familial, susceptibility to, 2; Glioma susceptibility 3; Medulloblastoma; Pancreatic cancer, susceptibility to, 2; Familial prostate cancer; Fanconi anemia complementation group D1. Review status: criteria provided, single submitter. Criteria: ACMG Guidelines, 2015. Collection method: clinical testing. Allele origin: germline.
Comment: Null variant in a gene where loss of function (LOF) is a known mechanism of disease.;Novel missense change at an amino acid residue where a different missense change determined to be pathogenic has been seen before.